The following is an entry in ClinVar:

NM_016111.4(TELO2):c.857G>T (p.Gly286Val)

Gene: TELO2 (telomere maintenance 2; plus strand). Cytogenetic location: 16p13.3.
Variant type: single nucleotide variant.
Coding change: c.857G>T on transcript NM_016111.4 (MANE Select); coding-DNA position 857, G replaced by T.
Protein change: p.Gly286Val; replaces glycine 286 with valine.
Molecular consequence: missense variant.
Genome position (GRCh38, 1-based): chr16:1,499,257, G>T. VCF-style: chr16-1499257-G-T. GRCh37 (hg19) VCF-style: chr16-1549258-G-T.
Other names: c.857G>T, p.Gly286Val (NM_001351846.2); short protein forms G286V.
Identifiers: ClinVar variation 3630491 (VCV003630491.2).
Genomic context (GRCh38, chr16:1,499,257, plus strand): 5'-GCTTGCAGCTCTGGCCCCTGACTCTGTCTTGCAGGCCTGAGGTCCTTTCGAGACTGCTGG[G>T]GAACCTGGTGGTGAAGAACAAGAAGGCCCAGTTTGTGATGACCCAGAAGCTTCTGTTCTT-3'
Protein context (NP_057195.2, residues 276-296): LGPEVLSRLL[Gly286Val]NLVVKNKKAQ

ClinVar aggregate classification (germline): Uncertain significance (1 of 4 stars; one submission).

gnomAD v4.1: 1 of 1,614,052 alleles (0.000062%); no homozygotes.

Submission:

Labcorp Genetics (formerly Invitae), Labcorp
Classification: Uncertain significance. Last evaluated: 2024-04-09. Review status: criteria provided, single submitter. Criteria: Invitae Variant Classification Sherloc (09022015). Collection method: clinical testing. Allele origin: germline.
Comment: This sequence change replaces glycine, which is neutral and non-polar, with valine, which is neutral and non-polar, at codon 286 of the TELO2 protein (p.Gly286Val). This variant is not present in population databases (gnomAD no frequency). This variant has not been reported in the literature in individuals affected with TELO2-related conditions. Advanced modeling of protein sequence and biophysical properties (such as structural, functional, and spatial information, amino acid conservation, physicochemical variation, residue mobility, and thermodynamic stability) performed at Invitae indicates that this missense variant is expected to disrupt TELO2 protein function with a positive predictive value of 80%. In summary, the available evidence is currently insufficient to determine the role of this variant in disease. Therefore, it has been classified as a Variant of Uncertain Significance.